The following is an entry in ClinVar:

NM_001199138.2(NLRC4):c.2112_2113del (p.Ser705fs)

Gene: NLRC4 (NLR family CARD domain containing 4; minus strand). Cytogenetic location: 2p22.3.
Variant type: Deletion.
Coding change: c.2112_2113del on transcript NM_001199138.2 (MANE Select); coding-DNA positions 2112 to 2113, 2 bases deleted (CA; older notation c.2112_2113delCA).
Protein change: p.Ser705fs; shifts the reading frame from serine 705.
Molecular consequence: frameshift variant. On other transcripts: intron variant (1).
Genome position (GRCh38, 1-based): chr2:32,249,751-32,249,752, TG deleted on the plus strand (CA on the coding strand, the reverse complement: NLRC4 is on the minus strand). VCF-style (leftmost placement, unchanged base first): chr2-32249750-CTG-C. GRCh37 (hg19) VCF-style: chr2-32474819-CTG-C.
Other names: c.2112_2113delCA, p.Ser705Phefs (NM_001199139.2, NM_021209.5); c.262+2667_262+2668del (NM_001302504.1); short protein forms S705fs.
Identifiers: ClinVar variation 1444202 (VCV001444202.6), dbSNP rs1271759184, ClinGen allele CA531767608.
Genomic context (GRCh38, chr2:32,249,750, plus strand): 5'-GTGAGGGGACTGGCTTCCACCATGAGAGAATAAATGTTCTTACAGGTGCTGAGGACCAAA[CTG>C]AGGCTTCCAGCCACACCAGCACATCTCTTTATTTGCAGCCTGAGGCTTGTGGCAGAGCTG-3'

ClinVar aggregate classification (germline): Uncertain significance (1 of 4 stars; one submission).

Conditions:
Familial cold autoinflammatory syndrome 4 (FCAS4). Identifiers: Orphanet 47045, Orphanet 576349, MedGen C4015276, MONDO:0014498, OMIM 616115.
Periodic fever-infantile enterocolitis-autoinflammatory syndrome. Also called: Autoinflammation with infantile enterocolitis. Identifiers: Orphanet 436166, MedGen C4015067, MONDO:0014472, OMIM 616050.

Allele frequency attached by ClinVar (database versions not stated): gnomAD exomes below 0.00001 and 0.00002; TOPMed 0.00001; gnomAD 0.00002.

Submission:

Labcorp Genetics (formerly Invitae), Labcorp
Classification: Uncertain significance for Periodic fever-infantile enterocolitis-autoinflammatory syndrome; Familial cold autoinflammatory syndrome 4. Last evaluated: 2025-07-09. Review status: criteria provided, single submitter. Criteria: Invitae Variant Classification Sherloc (09022015). Collection method: clinical testing. Allele origin: germline.
Comment: This sequence change creates a premature translational stop signal (p.Ser705Phefs*7) in the NLRC4 gene. It is expected to result in an absent or disrupted protein product. However, the current clinical and genetic evidence is not sufficient to establish whether loss-of-function variants in NLRC4 cause disease. This variant is present in population databases (no rsID available, gnomAD 0.002%). This variant has not been reported in the literature in individuals affected with NLRC4-related conditions. ClinVar contains an entry for this variant (Variation ID: 1444202). In summary, the available evidence is currently insufficient to determine the role of this variant in disease. Therefore, it has been classified as a Variant of Uncertain Significance.